The following is an entry in ClinVar:

NM_001377.3(DYNC2H1):c.9019C>T (p.Arg3007Cys)

Gene: DYNC2H1 (dynein cytoplasmic 2 heavy chain 1; plus strand). Cytogenetic location: 11q22.3.
Variant type: single nucleotide variant.
Coding change: c.9019C>T on transcript NM_001377.3 (MANE Select); coding-DNA position 9019, C replaced by T.
Protein change: p.Arg3007Cys; replaces arginine 3007 with cysteine.
Molecular consequence: missense variant.
Genome position (GRCh38, 1-based): chr11:103,220,695, C>T. VCF-style: chr11-103220695-C-T. GRCh37 (hg19) VCF-style: chr11-103091424-C-T.
Other names: c.9019C>T, p.Arg3007Cys (NM_001080463.2); short protein forms R3007C.
Identifiers: ClinVar variation 2159161 (VCV002159161.1), dbSNP rs1314429438, ClinGen allele CA382262797.

ClinVar aggregate classification (germline): Uncertain significance (1 of 4 stars; one submission).

Conditions:
Jeune thoracic dystrophy. Also called: Jeune syndrome; Infantile thoracic dystrophy; Thoracic pelvic phalangeal dystrophy; Jeune's syndrome; Chondroectodermal dysplasia-like syndrome; Short-rib thoracic dysplasia. Identifiers: Orphanet 474, MedGen C0265275, MONDO:0018770.

Allele frequency attached by ClinVar (database versions not stated): gnomAD exomes below 0.00001; TOPMed below 0.00001.
gnomAD v4.1: 1 of 1,613,062 alleles (0.000062%); highest among the groups gnomAD compares: Admixed American, 0.0017%; no homozygotes.

Submission:

Labcorp Genetics (formerly Invitae), Labcorp
Classification: Uncertain significance for Jeune thoracic dystrophy. Last evaluated: 2022-06-05. Review status: criteria provided, single submitter. Criteria: Invitae Variant Classification Sherloc (09022015). Collection method: clinical testing. Allele origin: germline.
Comment: This sequence change replaces arginine, which is basic and polar, with cysteine, which is neutral and slightly polar, at codon 3007 of the DYNC2H1 protein (p.Arg3007Cys). This variant is present in population databases (no rsID available, gnomAD no frequency). This variant has not been reported in the literature in individuals affected with DYNC2H1-related conditions. Algorithms developed to predict the effect of missense changes on protein structure and function (SIFT, PolyPhen-2, Align-GVGD) all suggest that this variant is likely to be disruptive. In summary, the available evidence is currently insufficient to determine the role of this variant in disease. Therefore, it has been classified as a Variant of Uncertain Significance.